The following is an entry in ClinVar:

NM_024675.4(PALB2):c.2872C>G (p.Gln958Glu)

Gene: PALB2 (partner and localizer of BRCA2; minus strand). Cytogenetic location: 16p12.2.
Variant type: single nucleotide variant.
Coding change: c.2872C>G on transcript NM_024675.4 (MANE Select); coding-DNA position 2872, C replaced by G.
Protein change: p.Gln958Glu; replaces glutamine 958 with glutamic acid.
Molecular consequence: missense variant.
Genome position (GRCh38, 1-based): chr16:23,623,093, G>C on the plus strand (C>G on the coding strand, the complement: PALB2 is on the minus strand). VCF-style: chr16-23623093-G-C. GRCh37 (hg19) VCF-style: chr16-23634414-G-C.
Other names: short protein forms Q958E.
Identifiers: ClinVar variation 628430 (VCV000628430.13), dbSNP rs1567213829, ClinGen allele CA395144384.

ClinVar aggregate classification (germline): Uncertain significance. Review status: criteria provided, multiple submitters, no conflicts (2 of 4 stars). 2 submissions from 2 submitters: Uncertain significance (2). Last evaluated 2022-09-07.

Conditions:
Hereditary cancer-predisposing syndrome. Also called: Neoplastic Syndromes, Hereditary; Tumor predisposition; Hereditary neoplastic syndrome; Hereditary Cancer Syndrome. Identifiers: Orphanet 140162, MedGen C0027672, MeSH D009386, MONDO:0015356.
Familial cancer of breast. Also called: BREAST CANCER, FAMILIAL; Hereditary breast cancer; hereditary breast carcinoma. Identifiers: Orphanet 227535, MedGen C0346153, MONDO:0016419, OMIM 114480. Disease mechanism: loss of function.

Submissions (2):

Labcorp Genetics (formerly Invitae), Labcorp
Classification: Uncertain significance for Familial cancer of breast. Last evaluated: 2022-09-07. Review status: criteria provided, single submitter. Criteria: Invitae Variant Classification Sherloc (09022015). Collection method: clinical testing. Allele origin: germline.
Comment: This sequence change replaces glutamine, which is neutral and polar, with glutamic acid, which is acidic and polar, at codon 958 of the PALB2 protein (p.Gln958Glu). In summary, the available evidence is currently insufficient to determine the role of this variant in disease. Therefore, it has been classified as a Variant of Uncertain Significance. Algorithms developed to predict the effect of missense changes on protein structure and function (SIFT, PolyPhen-2, Align-GVGD) all suggest that this variant is likely to be disruptive. ClinVar contains an entry for this variant (Variation ID: 628430). This variant has not been reported in the literature in individuals affected with PALB2-related conditions. This variant is not present in population databases (gnomAD no frequency).

Color Diagnostics, LLC DBA Color Health
Classification: Uncertain significance for Hereditary cancer-predisposing syndrome. Last evaluated: 2018-11-25. Review status: criteria provided, single submitter. Criteria: ACMG Guidelines, 2015. Collection method: clinical testing. Allele origin: germline.